The following is an entry in ClinVar:

NM_000091.5(COL4A3):c.2156C>T (p.Ser719Leu)

Genes: COL4A3 (collagen type IV alpha 3 chain; plus strand), MFF-DT (MFF divergent transcript; minus strand). Cytogenetic location: 2q36.3.
Variant type: single nucleotide variant.
Coding change: c.2156C>T on transcript NM_000091.5 (MANE Select); coding-DNA position 2156, C replaced by T.
Protein change: p.Ser719Leu; replaces serine 719 with leucine.
Molecular consequence: missense variant.
Genome position (GRCh38, 1-based): chr2:227,279,823, C>T. VCF-style: chr2-227279823-C-T. GRCh37 (hg19) VCF-style: chr2-228144539-C-T.
Other names: short protein forms S719L.
Identifiers: ClinVar variation 2899121 (VCV002899121.5), dbSNP rs1164505506, ClinGen allele CA350847575.
Genomic context (GRCh38, chr2:227,279,823, plus strand): 5'-ACAACAATGTTTATTGTTTTTTCTCTGTAGGAGACCAAGGTTTTCCAGGTACAAAAGGAT[C>T]ACTGGGTTGTCCTGGAAAAATGGGAGAGCCTGGGTTACCTGGAAAGCCAGGCCTCCCAGG-3'
Protein context (NP_000082.2, residues 709-729): GDQGFPGTKG[Ser719Leu]LGCPGKMGEP

ClinVar aggregate classification (germline): Uncertain significance. Review status: criteria provided, multiple submitters, no conflicts (2 of 4 stars). 3 submissions from 3 submitters: Uncertain significance (3). Last evaluated 2025-08-06.

Conditions:
Inborn genetic diseases. Identifiers: MedGen C0950123, MeSH D030342.
Autosomal dominant Alport syndrome (ATS3A). Also called: Alport syndrome dominant type; Renal failure and sensorineural hearing loss; ALPORT SYNDROME 3A, AUTOSOMAL DOMINANT. Identifiers: Orphanet 63, Orphanet 88918, MedGen C5882663, MONDO:0007086, OMIM 104200.
Hematuria, benign familial, 2 (BFH2). Identifiers: MedGen C5830421, MONDO:0958186, OMIM 620320.
Alport syndrome 3b, autosomal recessive. Identifiers: MedGen C5882699, MONDO:0957811, OMIM 620536.

Allele frequency attached by ClinVar (database versions not stated): gnomAD 0.00001; TOPMed 0.00001.
gnomAD v4.1: 6 of 1,610,128 alleles (0.00037%); highest among the groups gnomAD compares: African/African-American, 0.0013%; no homozygotes.

Submissions (3):

Ambry Genetics
Classification: Uncertain significance for Inborn genetic diseases. Last evaluated: 2025-08-06. Review status: criteria provided, single submitter. Criteria: Ambry Variant Classification Scheme 2023. Collection method: clinical testing. Allele origin: germline.

Fulgent Genetics
Classification: Uncertain significance for Autosomal dominant Alport syndrome; Hematuria, benign familial, 2; Alport syndrome 3b, autosomal recessive. Last evaluated: 2024-02-11. Review status: criteria provided, single submitter. Criteria: ACMG Guidelines, 2015. Collection method: clinical testing. Allele origin: germline.

Labcorp Genetics (formerly Invitae), Labcorp
Classification: Uncertain significance. Last evaluated: 2023-09-08. Review status: criteria provided, single submitter. Criteria: Invitae Variant Classification Sherloc (09022015). Collection method: clinical testing. Allele origin: germline.
Comment: In summary, the available evidence is currently insufficient to determine the role of this variant in disease. Therefore, it has been classified as a Variant of Uncertain Significance. Advanced modeling of protein sequence and biophysical properties (such as structural, functional, and spatial information, amino acid conservation, physicochemical variation, residue mobility, and thermodynamic stability) performed at Invitae indicates that this missense variant is not expected to disrupt COL4A3 protein function. This variant has not been reported in the literature in individuals affected with COL4A3-related conditions. This variant is present in population databases (no rsID available, gnomAD 0.01%). This sequence change replaces serine, which is neutral and polar, with leucine, which is neutral and non-polar, at codon 719 of the COL4A3 protein (p.Ser719Leu).